The following is an entry in ClinVar:

ClinVar aggregate classification (germline): Likely pathogenic (1 of 4 stars; one submission).

Conditions:
Leukoencephalopathy, diffuse hereditary, with spheroids 1 (HDLS1). Also called: SUBCORTICAL GLIOSIS OF NEUMANN; DEMENTIA, FAMILIAL, NEUMANN TYPE; CSF1R-related adult-onset leukoencephalopathy with axonal spheroids and pigmented glia. Identifiers: Orphanet 313808, MedGen C5561929, MONDO:0800027, OMIM 221820.

Submission:

Victorian Clinical Genetics Services, Murdoch Childrens Research Institute
Classification: Likely pathogenic for Leukoencephalopathy, diffuse hereditary, with spheroids 1. Last evaluated: 2025-01-16. Review status: criteria provided, single submitter. Criteria: ACMG Guidelines, 2015. Collection method: clinical testing. Allele origin: germline. Affected: yes.
Comment: This variant is classified as Likely pathogenic. Evidence in support of pathogenic classification: Variant is absent from gnomAD (v2, v3 and v4); Variant is located in a hotspot region or cluster of PATHOGENIC variants. This variant is located in the annotated protein tyrosine and serine/threonine kinase domain (DECIPHER), wherein almost all dominant CSF1R variants associated with hereditary diffuse leukoencephalopathy with spheroids (HDLS) are located (PMIDs: 24336230, 26141825, 30982609); Missense variant consistently predicted to be damaging by in silico tool or highly conserved with a major amino acid change; Very strong and specific phenotype match for this individual. Additional information: Variant is predicted to result in a missense amino acid change from proline to histidine; This variant is heterozygous; This gene is associated with both recessive and dominant disease (OMIM); This variant has no previous evidence of pathogenicity; No published segregation evidence has been identified for this variant; No published functional evidence has been identified for this variant; No comparable missense variants have previous evidence for pathogenicity; Loss of function is a known mechanism of disease in this gene and is associated with brain abnormalities, neurodegeneration, and dysosteosclerosis (MIM#618476). Both haploinsufficiency and a dominant negative mechanism have been reported in association with leukoencephalopathy, diffuse hereditary, with spheroids 1 (MIM#221820; OMIM, PMIDs: 24336230, 31330095, 30982609); The condition associated with this gene has incomplete penetrance. Healthy carriers of pathogenic monoallelic leukoencephalopathy, diffuse hereditary, with spheroids 1 (MIM#221820) variants have been reported who are older than the expected age of onset (PMID: 34145972); Inheritance information for this variant is not currently available in this individual.

Literature cited by the submitters: PubMed 26141825; PubMed 30982609; PubMed 24336230; PubMed 34145972; PubMed 31330095.

NM_001288705.3(CSF1R):c.2453C>A (p.Pro818His)

Gene: CSF1R (colony stimulating factor 1 receptor; minus strand). Cytogenetic location: 5q32.
Variant type: single nucleotide variant.
Coding change: c.2453C>A on transcript NM_001288705.3 (MANE Select); coding-DNA position 2453, C replaced by A.
Protein change: p.Pro818His; replaces proline 818 with histidine.
Molecular consequence: missense variant. On other transcripts: non-coding transcript variant (2).
Genome position (GRCh38, 1-based): chr5:150,056,127, G>T on the plus strand (C>A on the coding strand, the complement: CSF1R is on the minus strand). VCF-style: chr5-150056127-G-T. GRCh37 (hg19) VCF-style: chr5-149435690-G-T.
Other names: c.2453C>A, p.Pro818His (NM_001349736.2, NM_001375320.1, NM_005211.4); c.2009C>A, p.Pro670His (NM_001375321.1); short protein forms P670H, P818H.
Identifiers: ClinVar variation 4531974 (VCV004531974.1).